The following is an entry in ClinVar:

ClinVar aggregate classification (germline): Uncertain significance (1 of 4 stars; one submission).

Conditions:
VARS2-related disorder. Also called: VARS2-related condition; VARS2-related disorders.

Allele frequency attached by ClinVar (database versions not stated): gnomAD 0.00001; gnomAD exomes 0.00001; TOPMed 0.00001.
gnomAD v4.1: 14 of 1,612,568 alleles (0.00087%); highest among the groups gnomAD compares: Non-Finnish European, 0.0011%; no homozygotes.

Submission:

PreventionGenetics, part of Exact Sciences
Classification: Uncertain significance for VARS2-related condition. Last evaluated: 2023-01-31. Review status: criteria provided, single submitter. Criteria: ACMG Guidelines, 2015. Collection method: clinical testing. Allele origin: germline.
Comment: The VARS2 c.1405C>T variant is predicted to result in the amino acid substitution p.Arg469Trp. To our knowledge, this variant has not been reported in the literature or in a large population database, indicating this variant is rare. At this time, the clinical significance of this variant is uncertain due to the absence of conclusive functional and genetic evidence.

NM_020442.6(VARS2):c.1315C>T (p.Arg439Trp)

Gene: VARS2 (valyl-tRNA synthetase 2, mitochondrial; plus strand). Cytogenetic location: 6p21.33.
Variant type: single nucleotide variant.
Coding change: c.1315C>T on transcript NM_020442.6 (MANE Select); coding-DNA position 1315, C replaced by T.
Protein change: p.Arg439Trp; replaces arginine 439 with tryptophan.
Molecular consequence: missense variant.
Genome position (GRCh38, 1-based): chr6:30,920,354, C>T. VCF-style: chr6-30920354-C-T. GRCh37 (hg19) VCF-style: chr6-30888131-C-T.
Other names: c.895C>T, p.Arg299Trp (NM_001167733.3); c.1405C>T, p.Arg469Trp (NM_001167734.2); short protein forms R299W, R439W, R469W.
Identifiers: ClinVar variation 2629305 (VCV002629305.1), dbSNP rs867938374, ClinGen allele CA136808407.